The following is an entry in ClinVar:

ClinVar aggregate classification (germline): Uncertain significance. Review status: criteria provided, multiple submitters, no conflicts (2 of 4 stars). 2 submissions from 2 submitters: Uncertain significance (2). Last evaluated 2025-08-05.

Conditions:
Inborn genetic diseases. Identifiers: MedGen C0950123, MeSH D030342.
Retinitis pigmentosa 12 (RP12). Also called: RP WITH OR WITHOUT PPRPE; RP WITH OR WITHOUT PRESERVED PARAARTERIOLE RETINAL PIGMENT EPITHELIUM; RETINITIS PIGMENTOSA WITH OR WITHOUT PARAARTERIOLAR PRESERVATION OF RETINAL PIGMENT EPITHELIUM. Identifiers: Orphanet 791, MedGen C1838647, MONDO:0010818, OMIM 600105.
Leber congenital amaurosis 8 (LCA8). Identifiers: Orphanet 65, MedGen C3151202, MONDO:0013453, OMIM 613835.

Allele frequency attached by ClinVar (database versions not stated): 1000 Genomes Project 30x 0.00031.
gnomAD v4.1: 9 of 1,613,866 alleles (0.00056%); highest among the groups gnomAD compares: African/African-American, 0.0013%; no homozygotes.

Submissions (2):

Ambry Genetics
Classification: Uncertain significance for Inborn genetic diseases. Last evaluated: 2025-08-05. Review status: criteria provided, single submitter. Criteria: Ambry Variant Classification Scheme 2023. Collection method: clinical testing. Allele origin: germline.

Labcorp Genetics (formerly Invitae), Labcorp
Classification: Uncertain significance for Leber congenital amaurosis 8; Retinitis pigmentosa 12. Last evaluated: 2024-01-29. Review status: criteria provided, single submitter. Criteria: Invitae Variant Classification Sherloc (09022015). Collection method: clinical testing. Allele origin: germline.
Comment: This sequence change replaces arginine, which is basic and polar, with leucine, which is neutral and non-polar, at codon 1383 of the CRB1 protein (p.Arg1383Leu). This variant is present in population databases (rs200573274, gnomAD 0.007%). This variant has not been reported in the literature in individuals affected with CRB1-related conditions. ClinVar contains an entry for this variant (Variation ID: 2061740). Algorithms developed to predict the effect of missense changes on protein structure and function output the following: SIFT: "Not Available"; PolyPhen-2: "Benign"; Align-GVGD: "Not Available". The leucine amino acid residue is found in multiple mammalian species, which suggests that this missense change does not adversely affect protein function. In summary, the available evidence is currently insufficient to determine the role of this variant in disease. Therefore, it has been classified as a Variant of Uncertain Significance.

NM_201253.3(CRB1):c.4148G>T (p.Arg1383Leu)

Gene: CRB1 (crumbs cell polarity complex component 1; plus strand). Cytogenetic location: 1q31.3.
Variant type: single nucleotide variant.
Coding change: c.4148G>T on transcript NM_201253.3 (MANE Select); coding-DNA position 4148, G replaced by T.
Protein change: p.Arg1383Leu; replaces arginine 1383 with leucine.
Molecular consequence: missense variant. On other transcripts: non-coding transcript variant (2).
Genome position (GRCh38, 1-based): chr1:197,477,806, G>T. VCF-style: chr1-197477806-G-T. GRCh37 (hg19) VCF-style: chr1-197446936-G-T.
Other names: c.3812G>T, p.Arg1271Leu (NM_001193640.2); c.4076G>T, p.Arg1359Leu (NM_001257965.2); c.2540G>T, p.Arg847Leu (NM_001257966.2); c.4148G>T (NM_201253.2); short protein forms R1383L, R847L, R1271L, R1359L.
Identifiers: ClinVar variation 2061740 (VCV002061740.5), dbSNP rs200573274, ClinGen allele CA1312562.
Genomic context (GRCh38, chr1:197,477,806, plus strand): 5'-TTGTTGCTTCTGTTGTCACCTCCAACAAAAGGGCAACTCAGGGAACCTACAGCCCCAGCC[G>T]TCAGGAGAAGGAGGGCTCCCGAGTGGAAATGTGGAACTTGATGCCACCCCCTGCAATGGA-3'
Protein context (NP_957705.1, residues 1373-1393): RATQGTYSPS[Arg1383Leu]QEKEGSRVEM